The following is an entry in ClinVar:

ClinVar aggregate classification (germline): Uncertain significance (1 of 4 stars; one submission).

Conditions:
MHC class II deficiency. Also called: Bare lymphocyte syndrome 2; BLS, TYPE II. Identifiers: Orphanet 572, MedGen C5447452, MONDO:0008855.

Submission:

Labcorp Genetics (formerly Invitae), Labcorp
Classification: Uncertain significance for MHC class II deficiency. Last evaluated: 2019-07-11. Review status: criteria provided, single submitter. Criteria: Invitae Variant Classification Sherloc (09022015). Collection method: clinical testing. Allele origin: germline.
Comment: This variant has not been reported in the literature in individuals with RFXAP-related disease. While this variant is not present in population databases, the frequency information is unreliable, as metrics indicate poor data quality at this position in the ExAC database. This sequence change replaces glycine with alanine at codon 101 of the RFXAP protein (p.Gly101Ala). The glycine residue is highly conserved and there is a small physicochemical difference between glycine and alanine. Algorithms developed to predict the effect of missense changes on protein structure and function do not agree on the potential impact of this missense change (SIFT: "Tolerated"; PolyPhen-2: "Probably Damaging"; Align-GVGD: "Class C0"). In summary, the available evidence is currently insufficient to determine the role of this variant in disease. Therefore, it has been classified as a Variant of Uncertain Significance.

NM_000538.4(RFXAP):c.302G>C (p.Gly101Ala)

Gene: RFXAP (regulatory factor X associated protein; plus strand). Cytogenetic location: 13q13.3.
Variant type: single nucleotide variant.
Coding change: c.302G>C on transcript NM_000538.4 (MANE Select); coding-DNA position 302, G replaced by C.
Protein change: p.Gly101Ala; replaces glycine 101 with alanine.
Molecular consequence: missense variant.
Genome position (GRCh38, 1-based): chr13:36,819,659, G>C. VCF-style: chr13-36819659-G-C. GRCh37 (hg19) VCF-style: chr13-37393796-G-C.
Other names: short protein forms G101A.
Identifiers: ClinVar variation 580729 (VCV000580729.8), dbSNP rs1474685587, ClinGen allele CA387854609.
Genomic context (GRCh38, chr13:36,819,659, plus strand): 5'-GCGAAGAGGAGGCTGGGGAGGACGAGGCGGACCTGTTAGACACTTCGGACCCTCCGGGGG[G>C]AGGCGAGAGCGCGGCTAGTTTGGAGGATCTAGAGGACGAGGAGACTCACTCGGGGGGCGA-3'
Protein context (NP_000529.1, residues 91-111): DLLDTSDPPG[Gly101Ala]GESAASLEDL